The following is an entry in ClinVar:

ClinVar aggregate classification (germline): Uncertain significance (1 of 4 stars; one submission).

Conditions:
Inborn genetic diseases. Identifiers: MedGen C0950123, MeSH D030342.

Submission:

Ambry Genetics
Classification: Uncertain significance for Inborn genetic diseases. Last evaluated: 2021-12-30. Review status: criteria provided, single submitter. Criteria: Ambry Variant Classification Scheme 2023. Collection method: clinical testing. Allele origin: germline.
Comment: The p.Y253C variant (also known as c.758A>G), located in coding exon 8 of the MDH2 gene, results from an A to G substitution at nucleotide position 758. The tyrosine at codon 253 is replaced by cysteine, an amino acid with highly dissimilar properties. This amino acid position is conserved. In addition, this alteration is predicted to be deleterious by in silico analysis. Since supporting evidence is limited at this time, the clinical significance of this alteration remains unclear.

NM_005918.4(MDH2):c.758A>G (p.Tyr253Cys)

Gene: MDH2 (malate dehydrogenase 2; plus strand). Cytogenetic location: 7q11.23.
Variant type: single nucleotide variant.
Coding change: c.758A>G on transcript NM_005918.4 (MANE Select); coding-DNA position 758, A replaced by G.
Protein change: p.Tyr253Cys; replaces tyrosine 253 with cysteine.
Molecular consequence: missense variant.
Genome position (GRCh38, 1-based): chr7:76,064,826, A>G. VCF-style: chr7-76064826-A-G. GRCh37 (hg19) VCF-style: chr7-75694144-A-G.
Other names: c.632A>G, p.Tyr211Cys (NM_001282403.2); c.437A>G, p.Tyr146Cys (NM_001282404.2); short protein forms Y211C, Y146C, Y253C.
Identifiers: ClinVar variation 1759644 (VCV001759644.2), dbSNP rs1554587587, ClinGen allele CA367768034.